The following is an entry in ClinVar:

ClinVar aggregate classification (germline): Uncertain significance. Review status: criteria provided, multiple submitters, no conflicts (2 of 4 stars). 4 submissions from 4 submitters: Uncertain significance (3). 1 of the submissions does not count toward it. Last evaluated 2024-02-12.

Conditions:
Inborn genetic diseases. Identifiers: MedGen C0950123, MeSH D030342.
Acyl-CoA oxidase deficiency. Also called: STRAIGHT-CHAIN ACYL-CoA OXIDASE DEFICIENCY; Pseudoneonatal adrenoleukodystrophy; Peroxisomal acyl-CoA oxidase deficiency. Identifiers: Orphanet 2971, MedGen C1849678, MONDO:0009919, OMIM 264470. Disease mechanism: loss of function.

Allele frequency attached by ClinVar (database versions not stated): gnomAD exomes 0.00001 and 0.00002; ExAC 0.00003; gnomAD 0.00020 and 0.00021; 1000 Genomes Project 30x 0.00031; TOPMed 0.00038; 1000 Genomes Project 0.00040.
gnomAD v4.1: 57 of 1,614,184 alleles (0.0035%); highest among the groups gnomAD compares: Admixed American, 0.068%; no homozygotes.

Submissions (5):

Ambry Genetics
Classification: Uncertain significance for Inborn genetic diseases. Last evaluated: 2024-02-12. Review status: criteria provided, single submitter. Criteria: Ambry Variant Classification Scheme 2023. Collection method: clinical testing. Allele origin: germline.

GeneDx
Classification: Uncertain significance. Last evaluated: 2023-12-05. Review status: criteria provided, single submitter. Criteria: GeneDx Variant Classification Process June 2021. Collection method: clinical testing. Allele origin: germline. Affected: yes.
Comment: Has not been previously published as pathogenic or benign to our knowledge; In silico analysis supports that this missense variant does not alter protein structure/function

Labcorp Genetics (formerly Invitae), Labcorp
Classification: Uncertain significance for Acyl-CoA oxidase deficiency. Last evaluated: 2022-07-27. Review status: criteria provided, single submitter. Criteria: Invitae Variant Classification Sherloc (09022015). Collection method: clinical testing. Allele origin: germline.
Comment: This sequence change replaces isoleucine, which is neutral and non-polar, with valine, which is neutral and non-polar, at codon 235 of the ACOX1 protein (p.Ile235Val). This variant is present in population databases (rs199538132, gnomAD 0.02%). This variant has not been reported in the literature in individuals affected with ACOX1-related conditions. ClinVar contains an entry for this variant (Variation ID: 1037995). Algorithms developed to predict the effect of missense changes on protein structure and function output the following: SIFT: "Tolerated"; PolyPhen-2: "Benign"; Align-GVGD: "Class C0". The valine amino acid residue is found in multiple mammalian species, which suggests that this missense change does not adversely affect protein function. Algorithms developed to predict the effect of sequence changes on RNA splicing suggest that this variant may create or strengthen a splice site. In summary, the available evidence is currently insufficient to determine the role of this variant in disease. Therefore, it has been classified as a Variant of Uncertain Significance.

Natera, Inc.
Classification: Uncertain significance for Peroxisomal acyl-CoA oxidase deficiency. Last evaluated: 2020-03-05. Review status: no assertion criteria provided. Collection method: clinical testing. Allele origin: germline. Not counted in ClinVar's aggregate classification.

Dr. Peter K. Rogan Lab, Western University
No classification provided (evidence only). Condition: Nonpapillary renal cell carcinoma. Review status: no classification provided. Collection method: in vitro. Allele origin: not applicable. Functional consequence: skipped exon. Not counted in ClinVar's aggregate classification.

NM_004035.7(ACOX1):c.703A>G (p.Ile235Val)

Gene: ACOX1 (acyl-CoA oxidase 1; minus strand). Cytogenetic location: 17q25.1.
Variant type: single nucleotide variant.
Coding change: c.703A>G on transcript NM_004035.7 (MANE Select); coding-DNA position 703, A replaced by G.
Protein change: p.Ile235Val; replaces isoleucine 235 with valine.
Molecular consequence: missense variant.
Genome position (GRCh38, 1-based): chr17:75,955,637, T>C on the plus strand (A>G on the coding strand, the complement: ACOX1 is on the minus strand). VCF-style: chr17-75955637-T-C. GRCh37 (hg19) VCF-style: chr17-73951718-T-C.
Other names: c.589A>G, p.Ile197Val (NM_001185039.2); c.703A>G, p.Ile235Val (NM_007292.6); c.703A>G (NM_004035.6); short protein forms I197V, I235V.
Identifiers: ClinVar variation 1037995 (VCV001037995.11), dbSNP rs199538132, ClinGen allele CA8776942.